The following is an entry in ClinVar:

ClinVar aggregate classification (germline): Uncertain significance (1 of 4 stars; one submission).

Conditions:
Gorlin syndrome. Also called: Nevoid Basal Cell Carcinoma Syndrome; Basal cell nevus syndrome. Identifiers: Orphanet 377, MedGen C0004779, MONDO:0007187.
Medulloblastoma (MDB). Also called: Medulloblastoma, somatic; MEDULLOBLASTOMA PREDISPOSITION SYNDROME. Identifiers: Orphanet 616, MedGen C0025149, MeSH D008527, MONDO:0007959, OMIM 155255, HP:0002885.

Submission:

Labcorp Genetics (formerly Invitae), Labcorp
Classification: Uncertain significance for Gorlin syndrome; Medulloblastoma. Last evaluated: 2023-12-11. Review status: criteria provided, single submitter. Criteria: Invitae Variant Classification Sherloc (09022015). Collection method: clinical testing. Allele origin: germline.
Comment: This sequence change replaces glutamic acid, which is acidic and polar, with glutamine, which is neutral and polar, at codon 130 of the SUFU protein (p.Glu130Gln). This variant is not present in population databases (gnomAD no frequency). This variant has not been reported in the literature in individuals affected with SUFU-related conditions. Advanced modeling of protein sequence and biophysical properties (such as structural, functional, and spatial information, amino acid conservation, physicochemical variation, residue mobility, and thermodynamic stability) performed at Invitae indicates that this missense variant is not expected to disrupt SUFU protein function with a negative predictive value of 80%. In summary, the available evidence is currently insufficient to determine the role of this variant in disease. Therefore, it has been classified as a Variant of Uncertain Significance.

NM_016169.4(SUFU):c.388G>C (p.Glu130Gln)

Gene: SUFU (SUFU negative regulator of hedgehog signaling; plus strand). Cytogenetic location: 10q24.32.
Variant type: single nucleotide variant.
Coding change: c.388G>C on transcript NM_016169.4 (MANE Select); coding-DNA position 388, G replaced by C.
Protein change: p.Glu130Gln; replaces glutamic acid 130 with glutamine.
Molecular consequence: missense variant.
Genome position (GRCh38, 1-based): chr10:102,550,040, G>C. VCF-style: chr10-102550040-G-C. GRCh37 (hg19) VCF-style: chr10-104309797-G-C.
Other names: c.388G>C, p.Glu130Gln (NM_001178133.2); short protein forms E130Q.
Identifiers: ClinVar variation 2921307 (VCV002921307.3), dbSNP rs2544969461, ClinGen allele CA377903378.